The following is an entry in ClinVar:

ClinVar aggregate classification (germline): Uncertain significance (1 of 4 stars; one submission).

Conditions:
Ataxia-telangiectasia syndrome (AT). Also called: Ataxia-telangiectasia, complementation group D; AT, COMPLEMENTATION GROUP C; Ataxia-telangiectasia; Ataxia telangiectasia (A-T); LOUIS-BAR SYNDROME; Cerebello-oculocutaneous telangiectasia. Identifiers: Orphanet 100, MedGen C0004135, MONDO:0008840, OMIM 208900.

Submission:

Labcorp Genetics (formerly Invitae), Labcorp
Classification: Uncertain significance for Ataxia-telangiectasia syndrome. Last evaluated: 2025-12-26. Review status: criteria provided, single submitter. Criteria: Invitae Variant Classification Sherloc (09022015). Collection method: clinical testing. Allele origin: germline.
Comment: This sequence change replaces glutamic acid, which is acidic and polar, with valine, which is neutral and non-polar, at codon 688 of the ATM protein (p.Glu688Val). This variant is not present in population databases (gnomAD no frequency). This variant has not been reported in the literature in individuals affected with ATM-related conditions. Invitae Evidence Modeling of protein sequence and biophysical properties (such as structural, functional, and spatial information, amino acid conservation, physicochemical variation, residue mobility, and thermodynamic stability) indicates that this missense variant is not expected to disrupt ATM protein function with a negative predictive value of 95%. In summary, the available evidence is currently insufficient to determine the role of this variant in disease. Therefore, it has been classified as a Variant of Uncertain Significance.

NM_000051.4(ATM):c.2063A>T (p.Glu688Val)

Gene: ATM (ATM serine/threonine kinase; plus strand). Cytogenetic location: 11q22.3.
Variant type: single nucleotide variant.
Coding change: c.2063A>T on transcript NM_000051.4 (MANE Select); coding-DNA position 2063, A replaced by T.
Protein change: p.Glu688Val; replaces glutamic acid 688 with valine.
Molecular consequence: missense variant.
Genome position (GRCh38, 1-based): chr11:108,253,978, A>T. VCF-style: chr11-108253978-A-T. GRCh37 (hg19) VCF-style: chr11-108124705-A-T.
Other names: c.2063A>T, p.Glu688Val (NM_001351834.2); short protein forms E688V.
Identifiers: ClinVar variation 4747181 (VCV004747181.1).